The following is an entry in ClinVar:

NM_000548.5(TSC2):c.2478G>C (p.Leu826=)

Gene: TSC2 (TSC complex subunit 2; plus strand). Cytogenetic location: 16p13.3.
Variant type: single nucleotide variant.
Coding change: c.2478G>C on transcript NM_000548.5 (MANE Select); coding-DNA position 2478, G replaced by C.
Protein change: p.Leu826=; no amino-acid change (leucine 826 retained).
Molecular consequence: synonymous variant.
Genome position (GRCh38, 1-based): chr16:2,074,322, G>C. VCF-style: chr16-2074322-G-C. GRCh37 (hg19) VCF-style: chr16-2124323-G-C.
Other names: c.2478G>C, p.Leu826= (NM_001077183.3, NM_001114382.3, NM_001363528.2 and 3 more transcripts); c.2367G>C, p.Leu789= (NM_001318827.2); c.2331G>C, p.Leu777= (NM_001318829.2); c.1878G>C, p.Leu626= (NM_001318831.2); c.2511G>C, p.Leu837= (NM_001318832.2).
Identifiers: ClinVar variation 1557898 (VCV001557898.11), dbSNP rs1398112464, ClinGen allele CA492953143.

ClinVar aggregate classification (germline): Benign/Likely benign. Review status: criteria provided, multiple submitters, no conflicts (2 of 4 stars). 3 submissions from 3 submitters: Benign (1); Likely benign (2). Last evaluated 2025-09-22.

Conditions:
Hereditary cancer-predisposing syndrome. Also called: Neoplastic Syndromes, Hereditary; Hereditary Cancer Syndrome; Hereditary neoplastic syndrome; Tumor predisposition. Identifiers: Orphanet 140162, MedGen C0027672, MeSH D009386, MONDO:0015356.
Tuberous sclerosis 2 (TSC2). Identifiers: Orphanet 805, MedGen C1860707, MONDO:0013199, OMIM 613254.

Allele frequency attached by ClinVar (database versions not stated): gnomAD exomes below 0.00001.
gnomAD v4.1: 1 of 1,613,022 alleles (0.000062%); highest among the groups gnomAD compares: Non-Finnish European, 0.000085%; no homozygotes.

Submissions (3):

Labcorp Genetics (formerly Invitae), Labcorp
Classification: Likely benign for Tuberous sclerosis 2. Last evaluated: 2025-09-22. Review status: criteria provided, single submitter. Criteria: Invitae Variant Classification Sherloc (09022015). Collection method: clinical testing. Allele origin: germline.

Myriad Genetics, Inc.
Classification: Benign for Tuberous sclerosis 2. Last evaluated: 2025-05-20. Review status: criteria provided, single submitter. Criteria: Myriad Autosomal Dominant, Autosomal Recessive and X-Linked Classification Criteria (2023). Collection method: clinical testing. Allele origin: unknown.
Comment: This variant is considered benign. This variant is a silent/synonymous amino acid change and it is not expected to impact splicing.

Ambry Genetics
Classification: Likely benign for Hereditary cancer-predisposing syndrome. Last evaluated: 2022-07-29. Review status: criteria provided, single submitter. Criteria: Ambry Variant Classification Scheme 2023. Collection method: clinical testing. Allele origin: germline.